The following is an entry in ClinVar:

NM_006922.4(SCN3A):c.5768T>C (p.Ile1923Thr)

Gene: SCN3A (sodium voltage-gated channel alpha subunit 3; minus strand). Cytogenetic location: 2q24.3.
Variant type: single nucleotide variant.
Coding change: c.5768T>C on transcript NM_006922.4 (MANE Select); coding-DNA position 5768, T replaced by C.
Protein change: p.Ile1923Thr; replaces isoleucine 1923 with threonine.
Molecular consequence: missense variant.
Genome position (GRCh38, 1-based): chr2:165,090,385, A>G on the plus strand (T>C on the coding strand, the complement: SCN3A is on the minus strand). VCF-style: chr2-165090385-A-G. GRCh37 (hg19) VCF-style: chr2-165946895-A-G.
Other names: c.5621T>C, p.Ile1874Thr (NM_001081676.2, NM_001081677.2); short protein forms I1874T, I1923T.
Identifiers: ClinVar variation 950671 (VCV000950671.9), dbSNP rs1295645330, ClinGen allele CA349009775.

ClinVar aggregate classification (germline): Conflicting classifications of pathogenicity. Review status: criteria provided, conflicting classifications (1 of 4 stars). 2 submissions from 2 submitters: Uncertain significance (1); Likely benign (1). Last evaluated 2025-12-22.

Conditions:
Inborn genetic diseases. Identifiers: MedGen C0950123, MeSH D030342.

Allele frequency attached by ClinVar (database versions not stated): gnomAD exomes below 0.00001; gnomAD 0.00003 and 0.00004; TOPMed 0.00006.
gnomAD v4.1: 13 of 1,612,790 alleles (0.00081%); highest among the groups gnomAD compares: African/African-American, 0.012%; no homozygotes.

Submissions (2):

Labcorp Genetics (formerly Invitae), Labcorp
Classification: Uncertain significance. Last evaluated: 2025-12-22. Review status: criteria provided, single submitter. Criteria: Invitae Variant Classification Sherloc (09022015). Collection method: clinical testing. Allele origin: germline.
Comment: This sequence change replaces isoleucine, which is neutral and non-polar, with threonine, which is neutral and polar, at codon 1923 of the SCN3A protein (p.Ile1923Thr). This variant is present in population databases (no rsID available, gnomAD 0.004%). This variant has not been reported in the literature in individuals affected with SCN3A-related conditions. ClinVar contains an entry for this variant (Variation ID: 950671). Invitae Evidence Modeling of protein sequence and biophysical properties (such as structural, functional, and spatial information, amino acid conservation, physicochemical variation, residue mobility, and thermodynamic stability) indicates that this missense variant is not expected to disrupt SCN3A protein function with a negative predictive value of 80%. In summary, the available evidence is currently insufficient to determine the role of this variant in disease. Therefore, it has been classified as a Variant of Uncertain Significance.

Ambry Genetics
Classification: Likely benign for Inborn genetic diseases. Last evaluated: 2025-11-07. Review status: criteria provided, single submitter. Criteria: Ambry Variant Classification Scheme 2023. Collection method: clinical testing. Allele origin: germline.

Literature cited by the submitters: PubMed 28518168 (cited by Ambry Genetics); PubMed 32461654 (cited by Ambry Genetics).